The following is an entry in ClinVar:

ClinVar aggregate classification (germline): Uncertain significance. Review status: criteria provided, multiple submitters, no conflicts (2 of 4 stars). 2 submissions from 2 submitters: Uncertain significance (2). Last evaluated 2023-12-15.

Conditions:
Osteogenesis imperfecta type 7 (OI7). Also called: OSTEOGENESIS IMPERFECTA, TYPE IIB; Osteogenesis imperfecta type 2B; OI type 2B; Osteogenesis imperfecta, perinatal lethal autosomal recessive; OI type IIB; OI type 7. Identifiers: MedGen C1853162, MONDO:0012536, OMIM 610682.
Inborn genetic diseases. Identifiers: MedGen C0950123, MeSH D030342.

Allele frequency attached by ClinVar (database versions not stated): TOPMed below 0.00001; gnomAD exomes 0.00001 and 0.00007; ExAC 0.00007.

Submissions (2):

Ambry Genetics
Classification: Uncertain significance for Inborn genetic diseases. Last evaluated: 2023-12-15. Review status: criteria provided, single submitter. Criteria: Ambry Variant Classification Scheme 2023. Collection method: clinical testing. Allele origin: germline.

Labcorp Genetics (formerly Invitae), Labcorp
Classification: Uncertain significance for Osteogenesis imperfecta type 7. Last evaluated: 2017-09-21. Review status: criteria provided, single submitter. Criteria: Invitae Variant Classification Sherloc (09022015). Collection method: clinical testing. Allele origin: germline.
Comment: This sequence change replaces leucine with proline at codon 44 of the CRTAP protein (p.Leu44Pro). The leucine residue is highly conserved and there is a moderate physicochemical difference between leucine and proline. This variant is present in population databases (rs772784211, ExAC 0.09%). This variant has not been reported in the literature in individuals with CRTAP-related disease. Algorithms developed to predict the effect of missense changes on protein structure and function do not agree on the potential impact of this missense change (SIFT: "Deleterious"; PolyPhen-2: "Probably Damaging"; Align-GVGD: "Class C0"). In summary, the available evidence is currently insufficient to determine the role of this variant in disease. Therefore, it has been classified as a Variant of Uncertain Significance.

NM_006371.5(CRTAP):c.131T>C (p.Leu44Pro)

Gene: CRTAP (cartilage associated protein; plus strand). Cytogenetic location: 3p22.3.
Variant type: single nucleotide variant.
Coding change: c.131T>C on transcript NM_006371.5 (MANE Select); coding-DNA position 131, T replaced by C.
Protein change: p.Leu44Pro; replaces leucine 44 with proline.
Molecular consequence: missense variant.
Genome position (GRCh38, 1-based): chr3:33,114,208, T>C. VCF-style: chr3-33114208-T-C. GRCh37 (hg19) VCF-style: chr3-33155700-T-C.
Other names: c.131T>C, p.Leu44Pro (NM_001393363.1, NM_001393364.1, NM_001393365.1); short protein forms L44P.
Identifiers: ClinVar variation 534203 (VCV000534203.2), dbSNP rs772784211, ClinGen allele CA2300204.